The following is an entry in ClinVar:

NM_000135.4(FANCA):c.3934+74C>G

Genes: ZNF276 (zinc finger protein 276; plus strand), FANCA (FA complementation group A; minus strand). Cytogenetic location: 16q24.3.
Variant type: single nucleotide variant.
Coding change: c.3934+74C>G on transcript NM_000135.4 (MANE Select); 74 bases into the intron after coding-DNA position 3934, C replaced by G.
Molecular consequence: intron variant. On other transcripts: 3 prime UTR variant (2), non-coding transcript variant (4).
Genome position (GRCh38, 1-based): chr16:89,739,920, G>C on the plus strand (C>G on the coding strand, the complement: FANCA is on the minus strand). VCF-style: chr16-89739920-G-C. GRCh37 (hg19) VCF-style: chr16-89806328-G-C.
Other names: c.*1674G>C (NM_001113525.2, NM_152287.4); c.3934+74C>G (NM_001286167.3).
Identifiers: ClinVar variation 135539 (VCV000135539.3), dbSNP rs56216970, ClinGen allele CA162996.
Genomic context (GRCh38, chr16:89,739,920, plus strand): 5'-TCTGTCCCAACTAAAATGGAGCTTATAAACTTACTTAGCAAGGAACCTCAAGGAGGGCTC[G>C]TTCTTAACCATTTGCAAGATGCCTCTGAAAAGAGCGGCCCTCCGCATTTGTGCCTCAGCA-3'

ClinVar aggregate classification (germline): Likely benign. Review status: no assertion criteria provided (0 of 4 stars). 2 submissions from 2 submitters: Likely benign (1). 1 of the submissions does not count toward it. Last evaluated 2017-01-27.

Conditions:
Fanconi anemia complementation group A (FANCA). Also called: Fanconi anemia, group A; FANCA-Related Fanconi Anemia. Identifiers: Orphanet 84, MedGen C3469521, MONDO:0009215, OMIM 227650.

Allele frequency attached by ClinVar (database versions not stated): gnomAD 0.00016; TOPMed 0.00022; 1000 Genomes Project 0.00060; 1000 Genomes Project 30x 0.00062.
gnomAD v4.1: 133 of 1,600,680 alleles (0.0083%); highest among the groups gnomAD compares: African/African-American, 0.095%; no homozygotes.

Submissions (2):

Counsyl
Classification: Likely benign for Fanconi anemia complementation group A. Last evaluated: 2017-01-27. Review status: no assertion criteria provided. Collection method: clinical testing. Allele origin: unknown.

ITMI
No classification provided. Condition: AllHighlyPenetrant. Last evaluated: 2013-09-19. Review status: no classification provided. Collection method: reference population. Allele origin: germline. Not counted in ClinVar's aggregate classification.
Comment: Please see associated publication for description of ethnicities

Literature cited by the submitters: PubMed 24728327 (cited by ITMI).